The following is an entry in ClinVar:

ClinVar aggregate classification (germline): Benign (1 of 4 stars; one submission).

Conditions:
Colorectal cancer, susceptibility to, 1. Also called: COLORECTAL ADENOMA AND CANCER, SUSCEPTIBILITY TO; COLORECTAL CANCER, SUSCEPTIBILITY TO, ON CHROMOSOME 9. Identifiers: MedGen C1837315, MONDO:0012132, OMIM 608812.

Submission:

Myriad Genetics, Inc.
Classification: Benign for Colorectal cancer, susceptibility to, 1. Last evaluated: 2026-09-11. Review status: criteria provided, single submitter. Criteria: Myriad Autosomal Dominant, Autosomal Recessive and X-Linked Classification Criteria (2023). Collection method: clinical testing. Allele origin: unknown.
Comment: This variant is considered benign. This variant is a silent/synonymous amino acid change and it is not expected to impact splicing.

NM_024642.5(GALNT12):c.1149A>T (p.Ala383=)

Gene: GALNT12 (polypeptide N-acetylgalactosaminyltransferase 12; plus strand). Cytogenetic location: 9q22.33.
Variant type: single nucleotide variant.
Coding change: c.1149A>T on transcript NM_024642.5 (MANE Select); coding-DNA position 1149, A replaced by T.
Protein change: p.Ala383=; no amino-acid change (alanine 383 retained).
Molecular consequence: synonymous variant.
Genome position (GRCh38, 1-based): chr9:98,837,085, A>T. VCF-style: chr9-98837085-A-T. GRCh37 (hg19) VCF-style: chr9-101599367-A-T.
Identifiers: ClinVar variation 5042320 (VCV005042320.1).